The following is an entry in ClinVar:

ClinVar aggregate classification (germline): Likely benign. Review status: criteria provided, multiple submitters, no conflicts (2 of 4 stars). 2 submissions from 2 submitters: Likely benign (2). Last evaluated 2025-10-10.

gnomAD v4.1: 31 of 1,526,960 alleles (0.002%); highest among the groups gnomAD compares: East Asian, 0.0094%; no homozygotes.

Submissions (2):

Athena Diagnostics
Classification: Likely benign. Last evaluated: 2025-10-10. Review status: criteria provided, single submitter. Criteria: Athena Diagnostics Criteria. Collection method: clinical testing. Allele origin: unknown.
Comment: Computational tools yielded predictions that this variant is unlikely to have an effect on normal RNA splicing. This nucleotide position exhibits low evolutionary conservation.

CeGaT Center for Human Genetics Tuebingen
Classification: Likely benign. Last evaluated: 2025-03-01. Review status: criteria provided, single submitter. Criteria: CeGaT Center For Human Genetics Tuebingen Variant Classification Criteria Version 2. Collection method: clinical testing. Allele origin: germline. Affected: yes. Observed: 1 variant allele.
Comment: NOTCH3: BP4, BP7

NM_000435.3(NOTCH3):c.6312G>A (p.Ser2104=)

Gene: NOTCH3 (notch receptor 3; minus strand). Cytogenetic location: 19p13.12.
Variant type: single nucleotide variant.
Coding change: c.6312G>A on transcript NM_000435.3 (MANE Select); coding-DNA position 6312, G replaced by A.
Protein change: p.Ser2104=; no amino-acid change (serine 2104 retained).
Molecular consequence: synonymous variant.
Genome position (GRCh38, 1-based): chr19:15,161,316, C>T on the plus strand (G>A on the coding strand, the complement: NOTCH3 is on the minus strand). VCF-style: chr19-15161316-C-T. GRCh37 (hg19) VCF-style: chr19-15272127-C-T.
Other names: c.6312G>A (NM_000435.2).
Identifiers: ClinVar variation 3777951 (VCV003777951.7).
Genomic context (GRCh38, chr19:15,161,316, plus strand): 5'-CTCAAGGGGGAAGCCACCAGGGGAAGCAGGGGGCCCACCGAAAGGCCGCGGGGAGTCCAG[C>T]GAGTCCACGGGCGACAGCGTGACCGAGCTGTCAGCCAGGGGGCCCGGGCAGGCCAGCGTC-3'
Protein context (NP_000426.2, residues 2094-2114): DSSVTLSPVD[Ser2104=]LDSPRPFGGP